The following is an entry in ClinVar:

ClinVar aggregate classification (germline): Uncertain significance (1 of 4 stars; one submission).

Conditions:
Familial Mediterranean fever (FMF). Also called: POLYSEROSITIS, FAMILIAL PAROXYSMAL; POLYSEROSITIS, RECURRENT; Periodic peritonitis; Benign paroxysmal peritonitis. Identifiers: Orphanet 342, MedGen C0031069, MONDO:0018088, OMIM 249100. Disease mechanism: gain of function.

Submission:

Labcorp Genetics (formerly Invitae), Labcorp
Classification: Uncertain significance for Familial Mediterranean fever. Last evaluated: 2022-08-09. Review status: criteria provided, single submitter. Criteria: Invitae Variant Classification Sherloc (09022015). Collection method: clinical testing. Allele origin: germline.
Comment: This sequence change replaces glycine, which is neutral and non-polar, with alanine, which is neutral and non-polar, at codon 764 of the MEFV protein (p.Gly764Ala). In summary, the available evidence is currently insufficient to determine the role of this variant in disease. Therefore, it has been classified as a Variant of Uncertain Significance. Algorithms developed to predict the effect of missense changes on protein structure and function are either unavailable or do not agree on the potential impact of this missense change (SIFT: "Tolerated"; PolyPhen-2: "Probably Damaging"; Align-GVGD: "Class C0"). This variant has not been reported in the literature in individuals affected with MEFV-related conditions. This variant is not present in population databases (gnomAD no frequency).

NM_000243.3(MEFV):c.2291G>C (p.Gly764Ala)

Gene: MEFV (MEFV innate immunity regulator, pyrin; minus strand). Cytogenetic location: 16p13.3.
Variant type: single nucleotide variant.
Coding change: c.2291G>C on transcript NM_000243.3 (MANE Select); coding-DNA position 2291, G replaced by C.
Protein change: p.Gly764Ala; replaces glycine 764 with alanine.
Molecular consequence: missense variant. On other transcripts: 3 prime UTR variant (1).
Genome position (GRCh38, 1-based): chr16:3,243,196, C>G on the plus strand (G>C on the coding strand, the complement: MEFV is on the minus strand). VCF-style: chr16-3243196-C-G. GRCh37 (hg19) VCF-style: chr16-3293196-C-G.
Other names: c.*495G>C (NM_001198536.2); short protein forms G764A.
Identifiers: ClinVar variation 2183615 (VCV002183615.2), dbSNP rs2543138747, ClinGen allele CA394484588.